The following is an entry in ClinVar:

ClinVar aggregate classification (germline): Uncertain significance (1 of 4 stars; one submission).

Conditions:
Hypercoagulability syndrome due to glycosylphosphatidylinositol deficiency (GPIBD1). Also called: GLYCOSYLPHOSPHATIDYLINOSITOL BIOSYNTHESIS DEFECT 1. Identifiers: Orphanet 83639, MedGen C5201145, MONDO:0012465, OMIM 610293.

gnomAD v4.1: 3 of 1,614,200 alleles (0.00019%); highest among the groups gnomAD compares: Non-Finnish European, 0.00017%; no homozygotes.

Submission:

Labcorp Genetics (formerly Invitae), Labcorp
Classification: Uncertain significance for Hypercoagulability syndrome due to glycosylphosphatidylinositol deficiency. Last evaluated: 2025-10-22. Review status: criteria provided, single submitter. Criteria: Invitae Variant Classification Sherloc (09022015). Collection method: clinical testing. Allele origin: germline.
Comment: This sequence change affects codon 58 of the PIGM mRNA. It is a 'silent' change, meaning that it does not change the encoded amino acid sequence of the PIGM protein. This variant is not present in population databases (gnomAD no frequency). This variant has not been reported in the literature in individuals affected with PIGM-related conditions. In summary, the available evidence is currently insufficient to determine the role of this variant in disease. Therefore, it has been classified as a Variant of Uncertain Significance.

NM_145167.3(PIGM):c.174C>T (p.Ala58=)

Gene: PIGM (phosphatidylinositol glycan anchor biosynthesis class M; minus strand). Cytogenetic location: 1q23.2.
Variant type: single nucleotide variant.
Coding change: c.174C>T on transcript NM_145167.3 (MANE Select); coding-DNA position 174, C replaced by T.
Protein change: p.Ala58=; no amino-acid change (alanine 58 retained).
Molecular consequence: synonymous variant.
Genome position (GRCh38, 1-based): chr1:160,031,566, G>A on the plus strand (C>T on the coding strand, the complement: PIGM is on the minus strand). VCF-style: chr1-160031566-G-A. GRCh37 (hg19) VCF-style: chr1-160001356-G-A.
Identifiers: ClinVar variation 4749603 (VCV004749603.1).
Genomic context (GRCh38, chr1:160,031,566, plus strand): 5'-CGGGGTGTAACGGTACGTGGCTCTCAGGTAAGGCGAGCGCCCCTCCGTGACGAAGCGCGC[G>A]GCGTCGGTGAAGACCTGGTAGTCGATGTCCGTATACCTCACGTGCAGGGTCCGGTCCTGG-3'
Protein context (NP_660150.1, residues 48-68): TDIDYQVFTD[Ala58=]ARFVTEGRSP